The following is an entry in ClinVar:

ClinVar aggregate classification (germline): Uncertain significance (1 of 4 stars; one submission).

Conditions:
Sterile multifocal osteomyelitis with periostitis and pustulosis. Also called: CHRONIC RECURRENT MULTIFOCAL OSTEOMYELITIS 2, WITH PERIOSTITIS AND PUSTULOSIS. Identifiers: Orphanet 210115, MedGen C2748507, MONDO:0013021, OMIM 612852.

gnomAD v4.1: 3 of 1,598,308 alleles (0.00019%); highest among the groups gnomAD compares: Middle Eastern, 0.033%; no homozygotes.

Submission:

Labcorp Genetics (formerly Invitae), Labcorp
Classification: Uncertain significance for Sterile multifocal osteomyelitis with periostitis and pustulosis. Last evaluated: 2022-03-20. Review status: criteria provided, single submitter. Criteria: Invitae Variant Classification Sherloc (09022015). Collection method: clinical testing. Allele origin: germline.
Comment: In summary, the available evidence is currently insufficient to determine the role of this variant in disease. Therefore, it has been classified as a Variant of Uncertain Significance. Algorithms developed to predict the effect of missense changes on protein structure and function are either unavailable or do not agree on the potential impact of this missense change (SIFT: "Tolerated"; PolyPhen-2: "Not Available"; Align-GVGD: "Class C0"). This variant has not been reported in the literature in individuals affected with IL1RN-related conditions. This variant is not present in population databases (gnomAD no frequency). This sequence change replaces alanine, which is neutral and non-polar, with serine, which is neutral and polar, at codon 2 of the IL1RN protein (p.Ala2Ser).

NM_173841.3(IL1RN):c.4G>T (p.Ala2Ser)

Gene: IL1RN (interleukin 1 receptor antagonist; plus strand). Cytogenetic location: 2q14.1.
Variant type: single nucleotide variant.
Coding change: c.4G>T on transcript NM_173841.3; coding-DNA position 4, G replaced by T.
Protein change: p.Ala2Ser; replaces alanine 2 with serine.
Molecular consequence: missense variant. On other transcripts: 5 prime UTR variant (2).
Genome position (GRCh38, 1-based): chr2:113,118,022, G>T. VCF-style: chr2-113118022-G-T. GRCh37 (hg19) VCF-style: chr2-113875599-G-T.
Other names: c.4G>T, p.Ala2Ser (NM_000577.5); c.-279G>T (NM_001318914.2); c.-216G>T (NM_173843.3); short protein forms A2S.
Identifiers: ClinVar variation 2144543 (VCV002144543.2), dbSNP rs1226009223, ClinGen allele CA348292108.